The following is an entry in ClinVar:

NM_001286577.2(C2CD3):c.5098A>T (p.Lys1700Ter)

Gene: C2CD3 (C2 domain containing 3 centriole elongation regulator; minus strand). Cytogenetic location: 11q13.4.
Variant type: single nucleotide variant.
Coding change: c.5098A>T on transcript NM_001286577.2 (MANE Select); coding-DNA position 5098, A replaced by T.
Protein change: p.Lys1700Ter; replaces lysine 1700 with a stop codon.
Molecular consequence: nonsense.
Genome position (GRCh38, 1-based): chr11:74,054,664, T>A on the plus strand (A>T on the coding strand, the complement: C2CD3 is on the minus strand). VCF-style: chr11-74054664-T-A. GRCh37 (hg19) VCF-style: chr11-73765709-T-A.
Other names: c.5098A>T, p.Lys1700Ter (NM_015531.6); short protein forms K1700*.
Identifiers: ClinVar variation 3656456 (VCV003656456.2).

ClinVar aggregate classification (germline): Pathogenic (1 of 4 stars; one submission).

Submission:

Labcorp Genetics (formerly Invitae), Labcorp
Classification: Pathogenic. Last evaluated: 2024-06-12. Review status: criteria provided, single submitter. Criteria: Invitae Variant Classification Sherloc (09022015). Collection method: clinical testing. Allele origin: germline.
Comment: This sequence change creates a premature translational stop signal (p.Lys1700*) in the C2CD3 gene. It is expected to result in an absent or disrupted protein product. Loss-of-function variants in C2CD3 are known to be pathogenic (PMID: 24997988, 26477546). This variant is not present in population databases (gnomAD no frequency). This variant has not been reported in the literature in individuals affected with C2CD3-related conditions. For these reasons, this variant has been classified as Pathogenic.

Literature cited by the submitters: PubMed 24997988; PubMed 26477546.